The following is an entry in ClinVar:

NM_021930.6(RINT1):c.796del (p.Tyr266fs)

Gene: RINT1 (RAD50 interactor 1; plus strand). Cytogenetic location: 7q22.3.
Variant type: Deletion.
Coding change: c.796del on transcript NM_021930.6 (MANE Select); coding-DNA position 796, one base deleted (T; older notation c.796delT).
Protein change: p.Tyr266fs; shifts the reading frame from tyrosine 266.
Molecular consequence: frameshift variant. On other transcripts: 5 prime UTR variant (2), non-coding transcript variant (1), intron variant (1).
Genome position (GRCh38, 1-based): chr7:105,547,290, T deleted; the last of 2 consecutive T bases (chr7:105,547,289-105,547,290); deleting either gives the same sequence. VCF-style (leftmost placement, unchanged base first): chr7-105547288-GT-G. GRCh37 (hg19) VCF-style: chr7-105187735-GT-G.
Other names: c.562del, p.Tyr188fs (NM_001346599.2); c.-224del (NM_001346600.2); c.-127del (NM_001346601.2); c.-27-2765del (NM_001346603.2); short protein forms Y266fs, Y188fs.
Identifiers: ClinVar variation 2061915 (VCV002061915.4), dbSNP rs754649826, ClinGen allele CA4426529.

ClinVar aggregate classification (germline): Pathogenic (1 of 4 stars; one submission).

Submission:

Labcorp Genetics (formerly Invitae), Labcorp
Classification: Pathogenic. Last evaluated: 2025-04-28. Review status: criteria provided, single submitter. Criteria: Invitae Variant Classification Sherloc (09022015). Collection method: clinical testing. Allele origin: germline.
Comment: This sequence change creates a premature translational stop signal (p.Tyr266Thrfs*10) in the RINT1 gene. It is expected to result in an absent or disrupted protein product. Loss-of-function variants in RINT1 are known to be pathogenic (PMID: 31204009). This variant is present in population databases (rs754649826, gnomAD 0.005%). This variant has not been reported in the literature in individuals affected with RINT1-related conditions. ClinVar contains an entry for this variant (Variation ID: 2061915). For these reasons, this variant has been classified as Pathogenic.

Literature cited by the submitters: PubMed 31204009.